The following is an entry in ClinVar:

ClinVar aggregate classification (germline): Likely pathogenic. Review status: criteria provided, single submitter (1 of 4 stars). 2 submissions from 2 submitters: Likely pathogenic (1). 1 of the submissions does not count toward it. Last evaluated 2026-06-30.

Conditions:
Monogenic hearing loss.
COL11A1-related disorder. Also called: COL11A1-related disorders; COL11A1-related condition.

Submissions (2):

Genetics Laboratory, Great Ormond Street Hospital NHS Foundation Trust, North Thames Genomic Laboratory Hub
Classification: Likely pathogenic for Monogenic hearing loss. Last evaluated: 2026-06-30. Review status: criteria provided, single submitter. Criteria: ACGS Best Practice Guidelines for Variant Classification in Rare Disease 2024 v1.2. Collection method: clinical testing. Allele origin: germline. Affected: yes.
Comment: PS4_supporting, PM2_moderate, PP3_supporting, PM1_moderate

PreventionGenetics, part of Exact Sciences
Classification: Likely pathogenic for COL11A1-related condition. Last evaluated: 2023-10-24. Review status: no assertion criteria provided. Collection method: clinical testing. Allele origin: germline. Not counted in ClinVar's aggregate classification.
Comment: The COL11A1 c.4357G>C variant is predicted to result in the amino acid substitution p.Gly1453Arg. To our knowledge, this variant has not been reported in the literature or in a large population database, indicating this variant is rare. The Gly1453 amino acid is located in the conserved Gly-Xaa-Yaa triple helical domain where substitutions of a glycine are usually pathogenic (Bernard et al. 1988. PubMed ID: 3182841; Richards et al. 2010. PubMed ID: 20513134). This variant is interpreted as likely pathogenic.

NM_001854.4(COL11A1):c.4357G>C (p.Gly1453Arg)

Gene: COL11A1 (collagen type XI alpha 1 chain; minus strand). Cytogenetic location: 1p21.1.
Variant type: single nucleotide variant.
Coding change: c.4357G>C on transcript NM_001854.4 (MANE Select); coding-DNA position 4357, G replaced by C.
Protein change: p.Gly1453Arg; replaces glycine 1453 with arginine.
Molecular consequence: missense variant. On other transcripts: non-coding transcript variant (1).
Genome position (GRCh38, 1-based): chr1:102,889,562, C>G on the plus strand (G>C on the coding strand, the complement: COL11A1 is on the minus strand). VCF-style: chr1-102889562-C-G. GRCh37 (hg19) VCF-style: chr1-103355118-C-G.
Other names: c.4009G>C, p.Gly1337Arg (NM_001168249.1, NM_080630.4); c.4240G>C, p.Gly1414Arg (NM_001190709.2); c.4393G>C, p.Gly1465Arg (NM_080629.3); short protein forms G1337R, G1414R, G1453R, G1465R.
Identifiers: ClinVar variation 3040363 (VCV003040363.3), dbSNP rs2524255933, ClinGen allele CA341212797.